The following is an entry in ClinVar:

NM_001128148.3(TFRC):c.1678-12G>A

Gene: TFRC (transferrin receptor; minus strand). Cytogenetic location: 3q29.
Variant type: single nucleotide variant.
Coding change: c.1678-12G>A on transcript NM_001128148.3 (MANE Select); 12 bases into the intron before coding-DNA position 1678, G replaced by A.
Molecular consequence: intron variant.
Genome position (GRCh38, 1-based): chr3:196,055,313, C>T on the plus strand (G>A on the coding strand, the complement: TFRC is on the minus strand). VCF-style: chr3-196055313-C-T. GRCh37 (hg19) VCF-style: chr3-195782184-C-T.
Other names: c.832-12G>A (NM_001313966.2); c.1435-12G>A (NM_001313965.2); c.1678-12G>A (NM_003234.4).
Identifiers: ClinVar variation 1166955 (VCV001166955.16), dbSNP rs419059, ClinGen allele CA2777801.

ClinVar aggregate classification (germline): Benign/Likely benign. Review status: criteria provided, multiple submitters, no conflicts (2 of 4 stars). 7 submissions from 7 submitters: Benign (6); Likely benign (1). Last evaluated 2026-02-04.

Conditions:
TFRC-related combined immunodeficiency. Also called: Immunodeficiency 46. Identifiers: Orphanet 476113, MedGen C5568133, MONDO:0014760, OMIM 616740.

Allele frequency attached by ClinVar (database versions not stated): 1000 Genomes Project 30x 0.29638; 1000 Genomes Project 0.29812; TOPMed 0.30653; gnomAD 0.31409 and 0.31424; ESP Exome Variant Server 0.32008.
gnomAD v4.1: 509,325 of 1,608,168 alleles (32%); highest among the groups gnomAD compares: South Asian, 36%; 81,927 homozygotes.

Submissions (7):

Labcorp Genetics (formerly Invitae), Labcorp
Classification: Benign. Last evaluated: 2026-02-04. Review status: criteria provided, single submitter. Criteria: Invitae Variant Classification Sherloc (09022015). Collection method: clinical testing. Allele origin: germline.

Women's Health and Genetics/Laboratory Corporation of America, LabCorp
Classification: Benign. Last evaluated: 2026-01-21. Review status: criteria provided, single submitter. Criteria: LabCorp Variant Classification Summary - May 2015. Collection method: clinical testing. Allele origin: germline.

Blueprint Genetics
Classification: Likely benign. Last evaluated: 2024-11-26. Review status: criteria provided, single submitter. Criteria: ACMG Guidelines, 2015. Collection method: clinical testing. Allele origin: germline.

Unidad de Genómica Garrahan, Hospital de Pediatría Garrahan
Classification: Benign. Last evaluated: 2023-11-12. Review status: criteria provided, single submitter. Criteria: ACMG Guidelines, 2015. Collection method: clinical testing. Allele origin: germline. Affected: no. Observed: 50 variant alleles.
Comment: This variant is classified as Benign based on local population frequency. This variant was detected in 52% of patients studied by a panel of primary immunodeficiencies. Number of patients: 50. Only high quality variants are reported.

Genome-Nilou Lab
Classification: Benign for TFRC-related combined immunodeficiency. Last evaluated: 2021-09-10. Review status: criteria provided, single submitter. Criteria: ACMG Guidelines, 2015. Collection method: clinical testing. Allele origin: germline. Affected: no.

GeneDx
Classification: Benign. Last evaluated: 2021-06-09. Review status: criteria provided, single submitter. Criteria: GeneDx Variant Classification Process June 2021. Collection method: clinical testing. Allele origin: germline. Affected: yes.

Breakthrough Genomics
Classification: Benign. Review status: criteria provided, single submitter. Criteria: ACMG Guidelines, 2015. Collection method: not provided. Allele origin: germline. Inheritance: Autosomal recessive inheritance. Affected: yes.